The following is an entry in ClinVar:

ClinVar aggregate classification (germline): Uncertain significance (1 of 4 stars; one submission).

Submission:

Ambry Genetics
Classification: Uncertain significance. Last evaluated: 2023-12-02. Review status: criteria provided, single submitter. Criteria: Ambry Variant Classification Scheme 2023. Collection method: clinical testing. Allele origin: germline.
Comment: The p.D169V variant (also known as c.506A>T), located in coding exon 4 of the POLQ gene, results from an A to T substitution at nucleotide position 506. The aspartic acid at codon 169 is replaced by valine, an amino acid with highly dissimilar properties. This amino acid position is conserved. In addition, the in silico prediction for this alteration is inconclusive. Since supporting evidence is limited at this time, the clinical significance of this alteration remains unclear.

NM_199420.4(POLQ):c.506A>T (p.Asp169Val)

Gene: POLQ (DNA polymerase theta; minus strand). Cytogenetic location: 3q13.33.
Variant type: single nucleotide variant.
Coding change: c.506A>T on transcript NM_199420.4 (MANE Select); coding-DNA position 506, A replaced by T.
Protein change: p.Asp169Val; replaces aspartic acid 169 with valine.
Molecular consequence: missense variant.
Genome position (GRCh38, 1-based): chr3:121,539,558, T>A on the plus strand (A>T on the coding strand, the complement: POLQ is on the minus strand). VCF-style: chr3-121539558-T-A. GRCh37 (hg19) VCF-style: chr3-121258405-T-A.
Other names: short protein forms D169V.
Identifiers: ClinVar variation 3230038 (VCV003230038.1), dbSNP rs2048475775, ClinGen allele CA354091379.